The following is an entry in ClinVar:

ClinVar aggregate classification (germline): Benign. Review status: criteria provided, multiple submitters, no conflicts (2 of 4 stars). 5 submissions from 5 submitters: Benign (5). Last evaluated 2026-02-01.

Conditions:
SCN11A-related disorder. Also called: SCN11A-related condition.
Hereditary sensory and autonomic neuropathy type 7. Also called: HSAN VII; Neuropathy, hereditary sensory and autonomic, type VII. Identifiers: Orphanet 391397, MedGen C3809882, MONDO:0014244, OMIM 615548.
Familial episodic pain syndrome with predominantly lower limb involvement. Also called: Episodic pain syndrome, familial, 3. Identifiers: Orphanet 391384, Orphanet 391392, MedGen C3809899, MONDO:0014247, OMIM 615552.

Allele frequency attached by ClinVar (database versions not stated): ExAC 0.00519; gnomAD 0.01607 and 0.01725; 1000 Genomes Project 0.01857; ESP Exome Variant Server 0.01876; TOPMed 0.01876; 1000 Genomes Project 30x 0.01905.
gnomAD v4.1: 4,954 of 1,613,754 alleles (0.31%); highest among the groups gnomAD compares: African/African-American, 5.8%; 133 homozygotes.

Submissions (5):

Labcorp Genetics (formerly Invitae), Labcorp
Classification: Benign for Familial episodic pain syndrome with predominantly lower limb involvement; Hereditary sensory and autonomic neuropathy type 7. Last evaluated: 2026-02-01. Review status: criteria provided, single submitter. Criteria: Invitae Variant Classification Sherloc (09022015). Collection method: clinical testing. Allele origin: germline.

PreventionGenetics, part of Exact Sciences
Classification: Benign for SCN11A-related condition. Last evaluated: 2025-03-05. Review status: criteria provided, single submitter. Criteria: ACMG Guidelines, 2015. Collection method: clinical testing. Allele origin: germline.
Comment: This variant is classified as benign based on ACMG/AMP sequence variant interpretation guidelines (Richards et al. 2015 PMID: 25741868, with internal and published modifications).

Mayo Clinic Laboratories, Mayo Clinic
Classification: Benign. Last evaluated: 2021-04-02. Review status: criteria provided, single submitter. Criteria: ACMG Guidelines, 2015. Collection method: clinical testing. Allele origin: germline. Observed: 9 variant alleles.

GeneDx
Classification: Benign. Last evaluated: 2018-12-17. Review status: criteria provided, single submitter. Criteria: GeneDx Variant Classification Process June 2021. Collection method: clinical testing. Allele origin: germline. Affected: yes.

Breakthrough Genomics
Classification: Benign. Review status: criteria provided, single submitter. Criteria: ACMG Guidelines, 2015. Collection method: not provided. Allele origin: germline. Inheritance: Autosomal dominant inheritance. Affected: yes.

NM_001349253.2(SCN11A):c.1062G>A (p.Arg354=)

Gene: SCN11A (sodium voltage-gated channel alpha subunit 11; minus strand). Cytogenetic location: 3p22.2.
Variant type: single nucleotide variant.
Coding change: c.1062G>A on transcript NM_001349253.2 (MANE Select); coding-DNA position 1062, G replaced by A.
Protein change: p.Arg354=; no amino-acid change (arginine 354 retained).
Molecular consequence: synonymous variant.
Genome position (GRCh38, 1-based): chr3:38,910,105, C>T on the plus strand (G>A on the coding strand, the complement: SCN11A is on the minus strand). VCF-style: chr3-38910105-C-T. GRCh37 (hg19) VCF-style: chr3-38951596-C-T.
Other names: p.Arg354=; c.1062G>A, p.Arg354= (NM_014139.3).
Identifiers: ClinVar variation 474685 (VCV000474685.17), dbSNP rs73828709, ClinGen allele CA2322416.